The following is an entry in ClinVar:

ClinVar aggregate classification (germline): Uncertain significance (1 of 4 stars; one submission).

Conditions:
UBR3-related disorder. Also called: UBR3-related condition.

Submission:

PreventionGenetics, part of Exact Sciences
Classification: Uncertain significance for UBR3-related condition. Last evaluated: 2024-10-16. Review status: criteria provided, single submitter. Criteria: ACMG Guidelines, 2015. Collection method: clinical testing. Allele origin: germline.
Comment: The UBR3 c.4016T>C variant is predicted to result in the amino acid substitution p.Met1339Thr. To our knowledge, this variant has not been reported in the literature or in a large population database (gnomAD), indicating this variant is rare. At this time, the clinical significance of this variant is uncertain due to the absence of conclusive functional and genetic evidence.

NM_172070.4(UBR3):c.4016T>C (p.Met1339Thr)

Gene: UBR3 (ubiquitin protein ligase E3 component n-recognin 3; plus strand). Cytogenetic location: 2q31.1.
Variant type: single nucleotide variant.
Coding change: c.4016T>C on transcript NM_172070.4 (MANE Select); coding-DNA position 4016, T replaced by C.
Protein change: p.Met1339Thr; replaces methionine 1339 with threonine.
Molecular consequence: missense variant.
Genome position (GRCh38, 1-based): chr2:170,001,401, T>C. VCF-style: chr2-170001401-T-C. GRCh37 (hg19) VCF-style: chr2-170857911-T-C.
Other names: short protein forms M1339T.
Identifiers: ClinVar variation 5002050 (VCV005002050.1).